The following is an entry in ClinVar:

NM_000492.4(CFTR):c.484A>G (p.Lys162Glu)

Gene: CFTR (CF transmembrane conductance regulator; plus strand). Cytogenetic location: 7q31.2.
Variant type: single nucleotide variant.
Coding change: c.484A>G on transcript NM_000492.4 (MANE Select); coding-DNA position 484, A replaced by G.
Protein change: p.Lys162Glu; replaces lysine 162 with glutamic acid.
Molecular consequence: missense variant.
Genome position (GRCh38, 1-based): chr7:117,531,109, A>G. VCF-style: chr7-117531109-A-G. GRCh37 (hg19) VCF-style: chr7-117171163-A-G.
Other names: short protein forms K162E.
Identifiers: ClinVar variation 53968 (VCV000053968.54), dbSNP rs397508731, ClinGen allele CA327525.

ClinVar aggregate classification (germline): Pathogenic/Likely pathogenic. Review status: criteria provided, multiple submitters, no conflicts (2 of 4 stars). 11 submissions from 11 submitters: Pathogenic (2); Likely pathogenic (9). Last evaluated 2026-05-13.

Conditions:
CFTR-related disorder (CFTR-RD). Also called: CFTR-related disorders; CFTR-related condition. Identifiers: MedGen C5924204, MONDO:7770004.
Congenital bilateral aplasia of vas deferens from CFTR mutation (CBAVD). Identifiers: Orphanet 48, MedGen C0403814, MONDO:0010178, OMIM 277180. Disease mechanism: loss of function.
Cystic fibrosis (CF). Also called: MUCOVISCIDOSIS. Identifiers: Orphanet 586, MedGen C0010674, MONDO:0009061, OMIM 219700. Disease mechanism: loss of function.
Hereditary pancreatitis (PCTT). Also called: PRSS1-Related Hereditary Pancreatitis; Hereditary chronic pancreatitis. Identifiers: Orphanet 676, MedGen C0238339, MONDO:0008185, OMIM 167800.
Bronchiectasis with or without elevated sweat chloride 1 (BESC1). Also called: Cystic Fibrosis-Like Syndrome. Identifiers: Orphanet 60033, MedGen C2749757, MONDO:0008887, OMIM 211400.

Allele frequency attached by ClinVar (database versions not stated): gnomAD exomes below 0.00001; TOPMed below 0.00001; gnomAD 0.00001.
gnomAD v4.1: 3 of 1,610,558 alleles (0.00019%); highest among the groups gnomAD compares: Non-Finnish European, 0.00025%; no homozygotes.

Submissions (11):

Ambry Genetics
Classification: Likely pathogenic for Cystic fibrosis. Last evaluated: 2026-05-13. Review status: criteria provided, single submitter. Criteria: Ambry Variant Classification Scheme 2023. Collection method: clinical testing. Allele origin: germline.
Comment: The p.K162E variant (also known as c.484A>G), located in coding exon 4 of the CFTR gene, results from an A to G substitution at nucleotide position 484. The lysine at codon 162 is replaced by glutamic acid, an amino acid with similar properties. This variant has been identified in the homozygous state and/or in conjunction with other CFTR variant(s) in individual(s) who met clinical criteria for cystic fibrosis (Mota LR et al. Mol Biol Rep, 2018 Dec;45:2045-2051; Meneses DG et al. BMC Pediatr, 2024 Jul;24:422). In an assay testing CFTR function, this variant showed a functionally abnormal result (Bihler H et al. J Cyst Fibros, 2024 Jul;23:664-675). This amino acid position is highly conserved in available vertebrate species. In addition, this alteration is predicted to be deleterious by in silico analysis. This variant is considered to be rare based on population cohorts in the Genome Aggregation Database (gnomAD). Based on the majority of available evidence to date, this variant is likely to be pathogenic.

Women's Health and Genetics/Laboratory Corporation of America, LabCorp
Classification: Pathogenic for Cystic fibrosis. Last evaluated: 2026-04-06. Review status: criteria provided, single submitter. Criteria: LabCorp Variant Classification Summary - May 2015. Collection method: clinical testing. Allele origin: germline.
Comment: Variant summary: CFTR c.484A>G (p.Lys162Glu) results in a conservative amino acid change located in the ABC transporter type 1, transmembrane domain (IPR011527) of the encoded protein sequence. Algorithms developed to predict the effect of missense changes on protein structure and function are either unavailable or do not agree on the potential impact of this missense change. The variant was absent in 247592 control chromosomes. c.484A>G has been observed in individuals affected with Cystic Fibrosis (e.g. Kanavakis_2003, Salinas_2016, Mota_2018, Souza_2021, Internal data), and some were reported as compound heterozygous with other pathogenic variants. These data indicate that the variant is very likely to be associated with disease. At least one publication reports experimental evidence evaluating an impact on protein function. The most pronounced variant effect resulted in approximately 3% of normal chloride channel conductance relative to wild type (e.g., Bihler_2024). The following publications have been ascertained in the context of this evaluation (PMID: 12752573, 27214204, 30232781, 32819855, 32674983, 38388235). ClinVar contains an entry for this variant (Variation ID: 53968). Based on the evidence outlined above, the variant was classified as pathogenic.

Otogenetics
Classification: Likely pathogenic for Cystic fibrosis; Congenital bilateral aplasia of vas deferens from CFTR mutation. Last evaluated: 2025-09-02. Review status: criteria provided, single submitter. Criteria: ACMG Guidelines, 2015. Collection method: clinical testing. Allele origin: germline.
Comment: PM1: Non-truncating non-synonymous variant located in a critical and well-established functional domain (transmembrane domain MSD1) of the CFTR protein (PMID: 34714360); PM2: Variant not observed in gnomAD (<0.296% threshold); PM3: Variant reported in trans in with another pathogenic variant (CFTR c.1645A>C, p.S549R) in affected siblings (PMID: 38956483); PP3: In-silico models predict deleterious effect (Revel = 0.86, BayesDel = 0.39)

Dasa
Classification: Likely pathogenic. Last evaluated: 2025-07-09. Review status: criteria provided, single submitter. Criteria: DASA Assertion Criteria. Collection method: clinical testing. Allele origin: germline.
Comment: NM_000492.4(CFTR):c.484A>G (p.Lys162Glu) is a missense variant that results in the substitution of lysine with glutamic acid. This variant has been recurrently observed in individuals with CFTR-related disorders (PMID: 27214204; PMID: 30232781; PMID: 32674983). Also, this variant is rare in population databases. Computational evidence supports a deleterious effect. Based on the currently available evidence, this variant is classified as likely pathogenic.

Labcorp Genetics (formerly Invitae), Labcorp
Classification: Pathogenic for Cystic fibrosis. Last evaluated: 2025-06-22. Review status: criteria provided, single submitter. Criteria: Invitae Variant Classification Sherloc (09022015). Collection method: clinical testing. Allele origin: germline.
Comment: This sequence change replaces lysine, which is basic and polar, with glutamic acid, which is acidic and polar, at codon 162 of the CFTR protein (p.Lys162Glu). This variant is not present in population databases (gnomAD no frequency). This missense change has been observed in individual(s) with CFTR-related conditions (PMID: 27214204, 30232781, 32674983; internal data). ClinVar contains an entry for this variant (Variation ID: 53968). Invitae Evidence Modeling of protein sequence and biophysical properties (such as structural, functional, and spatial information, amino acid conservation, physicochemical variation, residue mobility, and thermodynamic stability) has been performed for this missense variant. However, the output from this modeling did not meet the statistical confidence thresholds required to predict the impact of this variant on CFTR protein function. For these reasons, this variant has been classified as Pathogenic.

Natera, Inc.
Classification: Likely pathogenic for CFTR-related disorders. Last evaluated: 2024-12-02. Review status: criteria provided, single submitter. Criteria: Natera Variant Classification Schema (03/2026). Collection method: clinical testing. Allele origin: germline.
Comment: The c.484A>G variant in CFTR is a missense variant predicted to cause substitution of lysine to glutamic acid at amino acid 162. This variant is rare in the general population with a frequency below the threshold expected for the associated phenotype(s). This variant has been observed in one or more individuals affected with the associated recessive disease, as either homozygous or compound heterozygous with a second variant (PMID: 30232781, 38956483). Functional studies show that this variant may disrupt protein function (PMID: 38388235). Computational prediction algorithms indicate this variant is likely to affect gene or protein function. Given the available evidence, this variant is classified as Likely Pathogenic.

Fulgent Genetics
Classification: Likely pathogenic for Hereditary pancreatitis; Bronchiectasis with or without elevated sweat chloride 1; Cystic fibrosis; Congenital bilateral aplasia of vas deferens from CFTR mutation. Last evaluated: 2024-06-07. Review status: criteria provided, single submitter. Criteria: ACMG Guidelines, 2015. Collection method: clinical testing. Allele origin: germline.

Mendelics
Classification: Likely pathogenic for Cystic fibrosis. Last evaluated: 2024-05-23. Review status: criteria provided, single submitter. Criteria: Mendelics Assertion Criteria 2017. Collection method: clinical testing. Allele origin: unknown. Affected: yes.

Johns Hopkins Genomics, Johns Hopkins University
Classification: Likely pathogenic for Cystic fibrosis. Last evaluated: 2022-09-06. Review status: criteria provided, single submitter. Criteria: ACMG Guidelines, 2015. Collection method: clinical testing. Allele origin: germline.
Comment: CFTR c.484A>G has been identified in multiple individuals with features of cystic fibrosis who have a second disease-associated CFTR variant. This CFTR variant (rs397508731) is rare (<0.1%) in a large population dataset (gnomAD: 1/152202 total alleles; 0.0007%; no homozygotes) and has an entry in ClinVar (Variation ID: 53968). BayPR, an algorithm that uses population data to assign disease liability to variants, predicts that this variant is likely to be CF-causing. In addition, two bioinformatic tools queried predict that this amino acid substitution would be damaging and the lysine residue at this position is evolutionarily conserved across all species assessed. We consider CFTR c.484A>G to be likely pathogenic.

Genome-Nilou Lab
Classification: Likely pathogenic for Cystic fibrosis. Last evaluated: 2021-07-22. Review status: criteria provided, single submitter. Criteria: ACMG Guidelines, 2015. Collection method: clinical testing. Allele origin: germline. Affected: no.

CeGaT Center for Human Genetics Tuebingen
Classification: Likely pathogenic. Last evaluated: 2021-02-01. Review status: criteria provided, single submitter. Criteria: CeGaT Center For Human Genetics Tuebingen Variant Classification Criteria Version 2. Collection method: clinical testing. Allele origin: germline. Affected: yes. Observed: 1 variant allele.

Literature cited by the submitters: PubMed 30232781 (cited by 5 submitters); PubMed 38388235 (cited by 3 submitters); PubMed 38956483 (cited by 3 submitters); PubMed 12752573 (cited by Women's Health and Genetics/Laboratory Corporation of America, LabCorp and Johns Hopkins Genomics, Johns Hopkins University); PubMed 27214204 (cited by 3 submitters); PubMed 32819855 (cited by Women's Health and Genetics/Laboratory Corporation of America, LabCorp and Johns Hopkins Genomics, Johns Hopkins University); PubMed 32674983 (cited by 4 submitters); PubMed 34714360 (cited by Otogenetics and Johns Hopkins Genomics, Johns Hopkins University).